The following is an entry in ClinVar:

ClinVar aggregate classification (germline): Uncertain significance. Review status: criteria provided, multiple submitters, no conflicts (2 of 4 stars). 2 submissions from 2 submitters: Uncertain significance (2). Last evaluated 2024-09-10.

Allele frequency attached by ClinVar (database versions not stated): TOPMed below 0.00001; ExAC 0.00001; gnomAD exomes 0.00002; ESP Exome Variant Server 0.00008.
gnomAD v4.1: 31 of 1,614,190 alleles (0.0019%); highest among the groups gnomAD compares: Non-Finnish European, 0.0025%; no homozygotes.

Submissions (2):

GeneDx
Classification: Uncertain significance. Last evaluated: 2024-09-10. Review status: criteria provided, single submitter. Criteria: GeneDx Variant Classification Process June 2021. Collection method: clinical testing. Allele origin: germline. Affected: yes.
Comment: In silico analysis supports a deleterious effect on splicing; Has not been previously published as pathogenic or benign to our knowledge

Labcorp Genetics (formerly Invitae), Labcorp
Classification: Uncertain significance. Last evaluated: 2022-08-19. Review status: criteria provided, single submitter. Criteria: Invitae Variant Classification Sherloc (09022015). Collection method: clinical testing. Allele origin: germline.
Comment: This sequence change replaces arginine, which is basic and polar, with tryptophan, which is neutral and slightly polar, at codon 193 of the PUS3 protein (p.Arg193Trp). In summary, the available evidence is currently insufficient to determine the role of this variant in disease. Therefore, it has been classified as a Variant of Uncertain Significance. Algorithms developed to predict the effect of missense changes on protein structure and function (SIFT, PolyPhen-2, Align-GVGD) all suggest that this variant is likely to be disruptive. This variant has not been reported in the literature in individuals affected with PUS3-related conditions. This variant is present in population databases (rs377076175, gnomAD 0.003%).

NM_031307.4(PUS3):c.577C>T (p.Arg193Trp)

Genes: HYLS1 (HYLS1 centriolar and ciliogenesis associated; plus strand), PUS3 (pseudouridine synthase 3; minus strand). Cytogenetic location: 11q24.2.
Variant type: single nucleotide variant.
Coding change: c.577C>T on transcript NM_031307.4 (MANE Select); coding-DNA position 577, C replaced by T.
Protein change: p.Arg193Trp; replaces arginine 193 with tryptophan.
Molecular consequence: missense variant. On other transcripts: 5 prime UTR variant (1), intron variant (5).
Genome position (GRCh38, 1-based): chr11:125,895,591, G>A on the plus strand (C>T on the coding strand, the complement: PUS3 is on the minus strand). VCF-style: chr11-125895591-G-A. GRCh37 (hg19) VCF-style: chr11-125765486-G-A.
Other names: c.-48C>T (NM_001271985.2); c.-80-3513G>A (NM_145014.3); c.-25-3753G>A (NM_001134793.2, NM_001377269.1); c.-22-3756G>A (NM_001424364.1, NM_001377270.1); short protein forms R193W.
Identifiers: ClinVar variation 2416888 (VCV002416888.7), dbSNP rs377076175, ClinGen allele CA6350488.